The following is an entry in ClinVar:

NM_000214.3(JAG1):c.2917-7G>A

Gene: JAG1 (jagged canonical Notch ligand 1; minus strand). Cytogenetic location: 20p12.2.
Variant type: single nucleotide variant.
Coding change: c.2917-7G>A on transcript NM_000214.3 (MANE Select); 7 bases into the intron before coding-DNA position 2917, G replaced by A.
Molecular consequence: intron variant.
Genome position (GRCh38, 1-based): chr20:10,641,251, C>T on the plus strand (G>A on the coding strand, the complement: JAG1 is on the minus strand). VCF-style: chr20-10641251-C-T. GRCh37 (hg19) VCF-style: chr20-10621899-C-T.
Other names: c.2917-7G>A (LRG_1191t1).
Identifiers: ClinVar variation 337748 (VCV000337748.18), dbSNP rs201573066, ClinGen allele CA9764342.
Genomic context (GRCh38, chr20:10,641,251, plus strand): 5'-CTTCAAAATATTCAAATTCCTCAATTCACTGCAAATGTGCTCCGTAGTAAGACCCTAAAA[C>T]GATTTTTAAAAACCCACACACGTGTAAGATTGAGAGGAAGAACAAAAGGCTGAGATGTTC-3'

ClinVar aggregate classification (germline): Conflicting classifications of pathogenicity. Review status: criteria provided, conflicting classifications (1 of 4 stars). 4 submissions from 4 submitters: Uncertain significance (1); Likely benign (3). Last evaluated 2025-12-23.

Conditions:
Isolated Nonsyndromic Congenital Heart Disease.
Alagille syndrome due to a JAG1 point mutation. Also called: JAG1-Related Alagille Syndrome; HEPATIC DUCTULAR HYPOPLASIA, SYNDROMATIC; Alagille Syndrome 1. Identifiers: Orphanet 261619, Orphanet 52, MedGen C1956125, MONDO:0016862, OMIM 118450.

Allele frequency attached by ClinVar (database versions not stated): gnomAD 0.00010 and 0.00011; TOPMed 0.00024; 1000 Genomes Project 30x 0.00047; 1000 Genomes Project 0.00060; gnomAD exomes 0.00005.
gnomAD v4.1: 102 of 1,613,578 alleles (0.0063%); highest among the groups gnomAD compares: South Asian, 0.037%; no homozygotes.

Submissions (4):

Labcorp Genetics (formerly Invitae), Labcorp
Classification: Likely benign for Alagille syndrome due to a JAG1 point mutation. Last evaluated: 2025-12-23. Review status: criteria provided, single submitter. Criteria: Invitae Variant Classification Sherloc (09022015). Collection method: clinical testing. Allele origin: germline.

Blueprint Genetics
Classification: Likely benign. Last evaluated: 2024-06-04. Review status: criteria provided, single submitter. Criteria: ACMG Guidelines, 2015. Collection method: clinical testing. Allele origin: germline.

Illumina Laboratory Services, Illumina
Classification: Likely benign for Isolated Nonsyndromic Congenital Heart Disease. Last evaluated: 2018-01-13. Review status: criteria provided, single submitter. Criteria: ICSL Variant Classification Criteria 13 December 2019. Collection method: clinical testing. Allele origin: germline.
Comment: This variant was observed in the ICSL laboratory as part of a predisposition screen in an ostensibly healthy population. It had not been previously curated by ICSL or reported in the Human Gene Mutation Database (HGMD: prior to June 1st, 2018), and was therefore a candidate for classification through an automated scoring system. Utilizing variant allele frequency, disease prevalence and penetrance estimates, and inheritance mode, an automated score was calculated to assess if this variant is too frequent to cause the disease. Based on the score and internal cut-off values, a variant classified as likely benign is not then subjected to further curation. The score for this variant resulted in a classification of likely benign for this disease.

Eurofins Ntd Llc (ga)
Classification: Uncertain significance. Last evaluated: 2017-01-04. Review status: criteria provided, single submitter. Criteria: EGL Classification Definitions 2015. Collection method: clinical testing. Allele origin: germline. Observed: 1 variant allele, 1 heterozygote.